The following is an entry in ClinVar:

ClinVar aggregate classification (germline): Uncertain significance. Review status: criteria provided, single submitter (1 of 4 stars). 2 submissions from 2 submitters: Uncertain significance (1). 1 of the submissions does not count toward it. Last evaluated 2024-07-14.

Conditions:
Inborn genetic diseases. Identifiers: MedGen C0950123, MeSH D030342.

Allele frequency attached by ClinVar (database versions not stated): gnomAD exomes 0.00007; ExAC 0.00013; 1000 Genomes Project 30x 0.00016; 1000 Genomes Project 0.00020; gnomAD 0.00037 and 0.00041; ESP Exome Variant Server 0.00038; TOPMed 0.00054.
gnomAD v4.1: 85 of 1,614,062 alleles (0.0053%); highest among the groups gnomAD compares: African/African-American, 0.11%; no homozygotes.

Submissions (2):

Ambry Genetics
Classification: Uncertain significance for Inborn genetic diseases. Last evaluated: 2024-07-14. Review status: criteria provided, single submitter. Criteria: Ambry Variant Classification Scheme 2023. Collection method: clinical testing. Allele origin: germline.

Department of Pathology and Laboratory Medicine, Sinai Health System
Classification: Uncertain significance. Review status: no assertion criteria provided. Collection method: clinical testing. Allele origin: unknown. Affected: yes. Study: The Canadian Open Genetics Repository (COGR). Not counted in ClinVar's aggregate classification.
Comment: The MYO9A p.Ser2313Arg variant was not identified in the literature nor was it identified in ClinVar. The variant was identified in dbSNP (ID: rs138603795) and LOVD 3.0 (variant effect not shared). The variant was identified in control databases in 28 of 282630 chromosomes at a frequency of 0.00009907 (Genome Aggregation Database March 6, 2019, v2.1.1). The variant was observed in the following populations: African in 27 of 24956 chromosomes (freq: 0.001082) and Latino in 1 of 35386 chromosomes (freq: 0.000028), but was not observed in the Ashkenazi Jewish, East Asian, European (Finnish), European (non-Finnish), Other, or South Asian populations. The p.Ser2313 residue is conserved in mammals and computational analyses (PolyPhen-2, SIFT, AlignGVGD, BLOSUM, MutationTaster) provide inconsistent predictions regarding the impact to the protein; this information is not very predictive of pathogenicity. The variant occurs outside of the splicing consensus sequence and 2 of 4 in silico or computational prediction software programs (SpliceSiteFinder, MaxEntScan, NNSPLICE, GeneSplicer) predict a greater than 10% difference in splicing; this is not very predictive of pathogenicity. In summary, based on the above information the clinical significance of this variant cannot be determined with certainty at this time. This variant is classified as a variant of uncertain significance.

NM_006901.4(MYO9A):c.6939T>G (p.Ser2313Arg)

Gene: MYO9A (myosin IXA; minus strand). Cytogenetic location: 15q23.
Variant type: single nucleotide variant.
Coding change: c.6939T>G on transcript NM_006901.4 (MANE Select); coding-DNA position 6939, T replaced by G.
Protein change: p.Ser2313Arg; replaces serine 2313 with arginine.
Molecular consequence: missense variant.
Genome position (GRCh38, 1-based): chr15:71,830,210, A>C on the plus strand (T>G on the coding strand, the complement: MYO9A is on the minus strand). VCF-style: chr15-71830210-A-C. GRCh37 (hg19) VCF-style: chr15-72122551-A-C.
Other names: c.6939T>G (NM_006901.2); short protein forms S2313R.
Identifiers: ClinVar variation 1048963 (VCV001048963.5), dbSNP rs138603795, ClinGen allele CA7640743.
Genomic context (GRCh38, chr15:71,830,210, plus strand): 5'-CTCCTCCTGCTGCATAGCTGCTTGCTGCTGTTCTGTGATGTCAGTCTCCATGGCTGCCTC[A>C]CTAGTCAAGGTCTCCTCTGAGACATCAGACACAGAAGGCAACCGAACTACAACAGGAGAC-3'
Protein context (NP_008832.2, residues 2303-2323): VSDVSEETLT[Ser2313Arg]EAAMETDITE